The following is an entry in ClinVar:

NM_000059.4(BRCA2):c.5748T>G (p.His1916Gln)

Gene: BRCA2 (BRCA2 DNA repair associated; plus strand). Cytogenetic location: 13q13.1.
Variant type: single nucleotide variant.
Coding change: c.5748T>G on transcript NM_000059.4 (MANE Select); coding-DNA position 5748, T replaced by G.
Protein change: p.His1916Gln; replaces histidine 1916 with glutamine.
Molecular consequence: missense variant.
Genome position (GRCh38, 1-based): chr13:32,340,103, T>G. VCF-style: chr13-32340103-T-G. GRCh37 (hg19) VCF-style: chr13-32914240-T-G.
Other names: short protein forms H1916Q.
Identifiers: ClinVar variation 433796 (VCV000433796.9), dbSNP rs1555284387, ClinGen allele CA387787001.
Genomic context (GRCh38, chr13:32,340,103, plus strand): 5'-ATTGGATGATTCAGAGGATATTCTTCATAACTCTCTAGATAATGATGAATGTAGCACGCA[T>G]TCACATAAGGTTTTTGCTGACATTCAGAGTGAAGAAATTTTACAACATAACCAAAATATG-3'
Protein context (NP_000050.3, residues 1906-1926): NSLDNDECST[His1916Gln]SHKVFADIQS

ClinVar aggregate classification (germline): Conflicting classifications of pathogenicity. Review status: criteria provided, conflicting classifications (1 of 4 stars). 3 submissions from 3 submitters: Uncertain significance (1); Likely benign (1). 1 of the submissions does not count toward it. Last evaluated 2023-03-23.

Conditions:
Hereditary cancer-predisposing syndrome. Also called: Hereditary Cancer Syndrome; Hereditary neoplastic syndrome; Neoplastic Syndromes, Hereditary; Tumor predisposition. Identifiers: Orphanet 140162, MedGen C0027672, MeSH D009386, MONDO:0015356.
Malignant tumor of breast. Also called: Malignant breast neoplasm; Cancer breast. Identifiers: MedGen C0006142, MONDO:0007254. Disease mechanism: loss of function.

Submissions (3):

University of Washington Department of Laboratory Medicine, University of Washington
Classification: Likely benign for Hereditary cancer-predisposing syndrome. Last evaluated: 2023-03-23. Review status: criteria provided, single submitter. Criteria: Dines et al. (Genet Med. 2020). Collection method: curation. Allele origin: germline.
Comment: Missense variant in a coldspot region where missense variants are very unlikely to be pathogenic (PMID:31911673).

BRCA2 exon 11 coldspot. Reclassification based on statistical prior probability.

Ambry Genetics
Classification: Uncertain significance for Hereditary cancer-predisposing syndrome. Last evaluated: 2017-09-14. Review status: criteria provided, single submitter. Criteria: Ambry Variant Classification Scheme 2023. Collection method: clinical testing. Allele origin: germline.
Comment: The p.H1916Q variant (also known as c.5748T>G), located in coding exon 10 of the BRCA2 gene, results from a T to G substitution at nucleotide position 5748. The histidine at codon 1916 is replaced by glutamine, an amino acid with highly similar properties. This amino acid position is poorly conserved in available vertebrate species. In addition, this alteration is predicted to be tolerated by in silico analysis. Since supporting evidence is limited at this time, the clinical significance of this alteration remains unclear.

Department of Pathology and Laboratory Medicine, Sinai Health System
Classification: Likely benign for Malignant tumor of breast. Review status: no assertion criteria provided. Collection method: clinical testing. Allele origin: unknown. Affected: yes. Study: The Canadian Open Genetics Repository (COGR). Not counted in ClinVar's aggregate classification.
Comment: The p.His1916Gln variant was not identified in the literature. This residue is not conserved in mammals or lower organisms and computational analyses (PolyPhen2, SIFT, AlignGVGD, BLOSUM) do not suggest a high likelihood of impact to the protein. However, this information is not predictive enough to rule out pathogenicity. In summary, based on the above information, the clinical significance of this variant cannot be determined with certainty at this time, although we would lean towards a more benign role for this variant. This variant meets our laboratory's criteria to be classified as predicted benign.